The following is an entry in ClinVar:

ClinVar aggregate classification (germline): Uncertain significance (1 of 4 stars; one submission).

Conditions:
Nephronophthisis 14 (NPHP14). Identifiers: Orphanet 2318, MedGen C3539071, MONDO:0013916, OMIM 614844.

Allele frequency attached by ClinVar (database versions not stated): gnomAD exomes below 0.00001 and 0.00001; TOPMed below 0.00001; ExAC 0.00001.
gnomAD v4.1: 4 of 1,614,028 alleles (0.00025%); highest among the groups gnomAD compares: Non-Finnish European, 0.00034%; no homozygotes.

Submission:

Labcorp Genetics (formerly Invitae), Labcorp
Classification: Uncertain significance for Nephronophthisis 14. Last evaluated: 2022-03-10. Review status: criteria provided, single submitter. Criteria: Invitae Variant Classification Sherloc (09022015). Collection method: clinical testing. Allele origin: germline.
Comment: In summary, the available evidence is currently insufficient to determine the role of this variant in disease. Therefore, it has been classified as a Variant of Uncertain Significance. Algorithms developed to predict the effect of missense changes on protein structure and function are either unavailable or do not agree on the potential impact of this missense change (SIFT: "Deleterious"; PolyPhen-2: "Benign"; Align-GVGD: "Class C0"). This variant has not been reported in the literature in individuals affected with ZNF423-related conditions. This variant is present in population databases (rs748635194, gnomAD 0.0009%). This sequence change replaces serine, which is neutral and polar, with glycine, which is neutral and non-polar, at codon 375 of the ZNF423 protein (p.Ser375Gly).

NM_001379286.1(ZNF423):c.1147A>G (p.Ser383Gly)

Gene: ZNF423 (zinc finger protein 423; minus strand). Cytogenetic location: 16q12.1.
Variant type: single nucleotide variant.
Coding change: c.1147A>G on transcript NM_001379286.1 (MANE Select); coding-DNA position 1147, A replaced by G.
Protein change: p.Ser383Gly; replaces serine 383 with glycine.
Molecular consequence: missense variant.
Genome position (GRCh38, 1-based): chr16:49,638,029, T>C on the plus strand (A>G on the coding strand, the complement: ZNF423 is on the minus strand). VCF-style: chr16-49638029-T-C. GRCh37 (hg19) VCF-style: chr16-49671940-T-C.
Other names: c.943A>G, p.Ser315Gly (NM_001271620.2); c.772A>G, p.Ser258Gly (NM_001330533.2); c.1123A>G, p.Ser375Gly (NM_015069.5); short protein forms S258G, S315G, S375G, S383G.
Identifiers: ClinVar variation 1359820 (VCV001359820.8), dbSNP rs748635194, ClinGen allele CA8046750.